The following is an entry in ClinVar:

ClinVar aggregate classification (germline): Conflicting classifications of pathogenicity. Review status: criteria provided, conflicting classifications (1 of 4 stars). 3 submissions from 2 submitters: Uncertain significance (2); Benign (1). Last evaluated 2024-02-01.

Conditions:
MYH9-related disorder. Identifiers: MedGen C1854520.
Autosomal dominant nonsyndromic hearing loss 17. Also called: Autosomal dominant nonsyndromic deafness 17; Deafness, autosomal dominant 17. Identifiers: Orphanet 90635, MedGen C1863659, MONDO:0011350, OMIM 603622.
Macrothrombocytopenia and granulocyte inclusions with or without nephritis or sensorineural hearing loss (MATINS). Also called: MAY-HEGGLIN ANOMALY; DOHLE LEUKOCYTE INCLUSIONS WITH GIANT PLATELETS; MACROTHROMBOCYTOPENIA WITH LEUKOCYTE INCLUSIONS; BLEEDING DISORDER, PLATELET-TYPE, 6; SEBASTIAN PLATELET SYNDROME; MACROTHROMBOCYTOPENIA WITH DISPERSED LEUKOCYTIC INCLUSIONS. Identifiers: Orphanet 182050, MedGen C5200934, MONDO:0015912, OMIM 155100.

Allele frequency attached by ClinVar (database versions not stated): gnomAD exomes below 0.00001 and 0.00002; gnomAD 0.00001; ExAC 0.00002; TOPMed 0.00002; ESP Exome Variant Server 0.00023.
gnomAD v4.1: 4 of 1,613,712 alleles (0.00025%); highest among the groups gnomAD compares: African/African-American, 0.0013%; no homozygotes.

Submissions (3):

Fulgent Genetics
Classification: Uncertain significance for Macrothrombocytopenia and granulocyte inclusions with or without nephritis or sensorineural hearing loss; Autosomal dominant nonsyndromic hearing loss 17. Last evaluated: 2024-02-01. Review status: criteria provided, single submitter. Criteria: ACMG Guidelines, 2015. Collection method: clinical testing. Allele origin: germline.

Illumina Laboratory Services, Illumina
Classification: Uncertain significance for Autosomal dominant nonsyndromic hearing loss 17. Last evaluated: 2018-01-13. Review status: criteria provided, single submitter. Criteria: ICSL Variant Classification Criteria 13 December 2019. Collection method: clinical testing. Allele origin: germline.

Illumina Laboratory Services, Illumina
Classification: Benign for MYH9-related disorder. Last evaluated: 2018-01-13. Review status: criteria provided, single submitter. Criteria: ICSL Variant Classification Criteria 13 December 2019. Collection method: clinical testing. Allele origin: germline.
Comment: This variant was observed in the ICSL laboratory as part of a predisposition screen in an ostensibly healthy population. It had not been previously curated by ICSL or reported in the Human Gene Mutation Database (HGMD: prior to June 1st, 2018), and was therefore a candidate for classification through an automated scoring system. Utilizing variant allele frequency, disease prevalence and penetrance estimates, and inheritance mode, an automated score was calculated to assess if this variant is too frequent to cause the disease. Based on the score and internal cut-off values, a variant classified as benign is not then subjected to further curation. The score for this variant resulted in a classification of benign for this disease.

NM_002473.6(MYH9):c.1188G>A (p.Val396=)

Gene: MYH9 (myosin heavy chain 9; minus strand). Cytogenetic location: 22q12.3.
Variant type: single nucleotide variant.
Coding change: c.1188G>A on transcript NM_002473.6 (MANE Select); coding-DNA position 1188, G replaced by A.
Protein change: p.Val396=; no amino-acid change (valine 396 retained).
Molecular consequence: synonymous variant.
Genome position (GRCh38, 1-based): chr22:36,318,246, C>T on the plus strand (G>A on the coding strand, the complement: MYH9 is on the minus strand). VCF-style: chr22-36318246-C-T. GRCh37 (hg19) VCF-style: chr22-36714291-C-T.
Identifiers: ClinVar variation 341528 (VCV000341528.6), dbSNP rs147972823, ClinGen allele CA10210358.